The following is an entry in ClinVar:

ClinVar aggregate classification (germline): Uncertain significance (1 of 4 stars; one submission).

Allele frequency attached by ClinVar (database versions not stated): 1000 Genomes Project 30x 0.00016.

Submission:

Labcorp Genetics (formerly Invitae), Labcorp
Classification: Uncertain significance. Last evaluated: 2022-03-12. Review status: criteria provided, single submitter. Criteria: Invitae Variant Classification Sherloc (09022015). Collection method: clinical testing. Allele origin: germline.
Comment: This sequence change replaces arginine, which is basic and polar, with tryptophan, which is neutral and slightly polar, at codon 2297 of the SZT2 protein (p.Arg2297Trp). This variant is present in population databases (rs141135758, gnomAD 0.007%). This variant has not been reported in the literature in individuals affected with SZT2-related conditions. Algorithms developed to predict the effect of missense changes on protein structure and function output the following: SIFT: "Tolerated"; PolyPhen-2: "Benign"; Align-GVGD: "Class C0". The tryptophan amino acid residue is found in multiple mammalian species, which suggests that this missense change does not adversely affect protein function. In summary, the available evidence is currently insufficient to determine the role of this variant in disease. Therefore, it has been classified as a Variant of Uncertain Significance.

NM_001365999.1(SZT2):c.7060C>T (p.Arg2354Trp)

Gene: SZT2 (SZT2 subunit of KICSTOR complex; plus strand). Cytogenetic location: 1p34.2.
Variant type: single nucleotide variant.
Coding change: c.7060C>T on transcript NM_001365999.1 (MANE Select); coding-DNA position 7060, C replaced by T.
Protein change: p.Arg2354Trp; replaces arginine 2354 with tryptophan.
Molecular consequence: missense variant.
Genome position (GRCh38, 1-based): chr1:43,439,898, C>T. VCF-style: chr1-43439898-C-T. GRCh37 (hg19) VCF-style: chr1-43905569-C-T.
Other names: c.6889C>T, p.Arg2297Trp (NM_015284.4); short protein forms R2297W, R2354W.
Identifiers: ClinVar variation 1483992 (VCV001483992.3), dbSNP rs141135758, ClinGen allele CA810105.